The following is an entry in ClinVar:

ClinVar aggregate classification (germline): Pathogenic. Review status: criteria provided, single submitter (1 of 4 stars). 2 submissions from 2 submitters: Pathogenic (1). 1 of the submissions does not count toward it. Last evaluated 2022-11-03.

Conditions:
Cerebral folate transport deficiency. Also called: Cerebral folate deficiency syndrome; NEURODEGENERATION DUE TO CEREBRAL FOLATE TRANSPORT DEFICIENCY; Neurodegenerative syndrome due to cerebral folate transport deficiency; FOLR1-Related Cerebral Folate Transport Deficiency; FOLATE RECEPTOR DEFICIENCY. Identifiers: Orphanet 217382, MedGen C2751584, MONDO:0013110, OMIM 613068. Disease mechanism: loss of function.

Allele frequency attached by ClinVar (database versions not stated): gnomAD exomes below 0.00001; gnomAD 0.00001; TOPMed 0.00001.
gnomAD v4.1: 2 of 1,614,082 alleles (0.00012%); highest among the groups gnomAD compares: African/African-American, 0.0013%; no homozygotes.

Submissions (2):

Labcorp Genetics (formerly Invitae), Labcorp
Classification: Pathogenic for Cerebral folate transport deficiency. Last evaluated: 2022-11-03. Review status: criteria provided, single submitter. Criteria: Invitae Variant Classification Sherloc (09022015). Collection method: clinical testing. Allele origin: germline.
Comment: For these reasons, this variant has been classified as Pathogenic. Studies have shown that this premature translational stop signal alters FOLR1 gene expression (PMID: 22586289). ClinVar contains an entry for this variant (Variation ID: 16256). This premature translational stop signal has been observed in individual(s) with cerebral folate deficiency (PMID: 19732866). In at least one individual the data is consistent with being in trans (on the opposite chromosome) from a pathogenic variant. It has also been observed to segregate with disease in related individuals. This variant is not present in population databases (gnomAD no frequency). This sequence change creates a premature translational stop signal (p.Cys175*) in the FOLR1 gene. While this is not anticipated to result in nonsense mediated decay, it is expected to disrupt the last 83 amino acid(s) of the FOLR1 protein.

OMIM
Classification: Pathogenic for NEURODEGENERATION DUE TO CEREBRAL FOLATE TRANSPORT DEFICIENCY. Last evaluated: 2009-09-01. Review status: no assertion criteria provided. Collection method: literature only. Allele origin: germline. Not counted in ClinVar's aggregate classification.

Literature cited by the submitters: PubMed 22586289 (cited by Labcorp Genetics (formerly Invitae), Labcorp); PubMed 19732866 (cited by Labcorp Genetics (formerly Invitae), Labcorp); Steinfeld, R., Grapp, M., Kraetzner, R., Dreha-Kulaczewski, S., Helms, G., Dechent, P., Wevers, R., Grosso, S., Gartner, J. Folate receptor alpha defect causes cerebral folate transport deficiency: a treatable neurodegenerative disorder associated with disturbed myelin metabolism. Am. J. Hum. Genet. 85: 354-363, 2009. (cited by OMIM).

NM_016729.3(FOLR1):c.525C>A (p.Cys175Ter)

Genes: FOLR1 (folate receptor alpha; plus strand), FOLR1-AS1 (FOLR1 antisense RNA 1; minus strand). Cytogenetic location: 11q13.4.
Variant type: single nucleotide variant.
Coding change: c.525C>A on transcript NM_016729.3 (MANE Select); coding-DNA position 525, C replaced by A.
Protein change: p.Cys175Ter; replaces cysteine 175 with a stop codon.
Molecular consequence: nonsense.
Genome position (GRCh38, 1-based): chr11:72,195,928, C>A. VCF-style: chr11-72195928-C-A. GRCh37 (hg19) VCF-style: chr11-71906972-C-A.
Other names: c.525C>A, p.Cys175Ter (NM_000802.3, NM_016724.3, NM_016725.3); short protein forms C175*.
Identifiers: ClinVar variation 16256 (VCV000016256.7), dbSNP rs121918406, ClinGen allele CA126340.